The following is an entry in ClinVar:

ClinVar aggregate classification (germline): Uncertain significance. Review status: criteria provided, multiple submitters, no conflicts (2 of 4 stars). 2 submissions from 2 submitters: Uncertain significance (2). Last evaluated 2023-08-27.

Conditions:
TET2-related disorder. Also called: TET2-related condition.

Allele frequency attached by ClinVar (database versions not stated): gnomAD 0.00001; ExAC 0.00005.
gnomAD v4.1: 25 of 1,551,508 alleles (0.0016%); highest among the groups gnomAD compares: Admixed American, 0.0059%; no homozygotes.

Submissions (2):

Labcorp Genetics (formerly Invitae), Labcorp
Classification: Uncertain significance. Last evaluated: 2023-08-27. Review status: criteria provided, single submitter. Criteria: Invitae Variant Classification Sherloc (09022015). Collection method: clinical testing. Allele origin: germline.
Comment: In summary, the available evidence is currently insufficient to determine the role of this variant in disease. Therefore, it has been classified as a Variant of Uncertain Significance. An algorithm developed to predict the effect of missense changes on protein structure and function (PolyPhen-2) suggests that this variant¬¨‚Ä†is likely to be tolerated. This variant has not been reported in the literature in individuals affected with TET2-related conditions. This variant is present in population databases (rs780131139, gnomAD 0.006%). This sequence change replaces tyrosine, which is neutral and polar, with cysteine, which is neutral and slightly polar, at codon 1649 of the TET2 protein (p.Tyr1649Cys).

PreventionGenetics, part of Exact Sciences
Classification: Uncertain significance for TET2-related condition. Last evaluated: 2023-07-17. Review status: criteria provided, single submitter. Criteria: ACMG Guidelines, 2015. Collection method: clinical testing. Allele origin: germline.
Comment: The TET2 c.4946A>G variant is predicted to result in the amino acid substitution p.Tyr1649Cys. To our knowledge, this variant has not been reported in the literature. This variant is reported in 0.0060% of alleles in individuals of African descent in gnomAD. At this time, the clinical significance of this variant is uncertain due to the absence of conclusive functional and genetic evidence.

NM_001127208.3(TET2):c.4946A>G (p.Tyr1649Cys)

Genes: TET2 (tet methylcytosine dioxygenase 2; plus strand), TET2-AS1 (TET2 antisense RNA 1; minus strand). Cytogenetic location: 4q24.
Variant type: single nucleotide variant.
Coding change: c.4946A>G on transcript NM_001127208.3 (MANE Select); coding-DNA position 4946, A replaced by G.
Protein change: p.Tyr1649Cys; replaces tyrosine 1649 with cysteine.
Molecular consequence: missense variant.
Genome position (GRCh38, 1-based): chr4:105,275,456, A>G. VCF-style: chr4-105275456-A-G. GRCh37 (hg19) VCF-style: chr4-106196613-A-G.
Other names: short protein forms Y1649C.
Identifiers: ClinVar variation 2634632 (VCV002634632.3), dbSNP rs780131139, ClinGen allele CA3032238.